The following is an entry in ClinVar:

NM_000540.3(RYR1):c.6406C>T (p.Arg2136Cys)

Gene: RYR1 (ryanodine receptor 1; plus strand). Cytogenetic location: 19q13.2.
Variant type: single nucleotide variant.
Coding change: c.6406C>T on transcript NM_000540.3 (MANE Select); coding-DNA position 6406, C replaced by T.
Protein change: p.Arg2136Cys; replaces arginine 2136 with cysteine.
Molecular consequence: missense variant.
Genome position (GRCh38, 1-based): chr19:38,494,483, C>T. VCF-style: chr19-38494483-C-T. GRCh37 (hg19) VCF-style: chr19-38985123-C-T.
Other names: c.6406C>T, p.Arg2136Cys (NM_001042723.2); short protein forms R2136C.
Identifiers: ClinVar variation 288564 (VCV000288564.7), dbSNP rs886043937, ClinGen allele CA10606136.

ClinVar aggregate classification (germline): Uncertain significance. Review status: criteria provided, multiple submitters, no conflicts (2 of 4 stars). 3 submissions from 3 submitters: Uncertain significance (3). Last evaluated 2025-07-29.

Conditions:
RYR1-related disorder. Also called: RYR1-related disorders; RYR1-related condition. Identifiers: MedGen CN239331.
Malignant hyperthermia, susceptibility to, 1 (MHS1). Also called: Anesthesia related hyperthermia; Malignant hyperpyrexia; Fulminating hyperpyrexia; Pharmacogenic myopathy; Malignant hyperthermia suceptibility 1; RYR1-Related Malignant Hyperthermia Susceptibility. Identifiers: Orphanet 423, MedGen C2930980, MONDO:0007783, OMIM 145600.

Allele frequency attached by ClinVar (database versions not stated): gnomAD exomes below 0.00001; TOPMed below 0.00001.
gnomAD v4.1: 5 of 1,613,086 alleles (0.00031%); highest among the groups gnomAD compares: South Asian, 0.0022%; no homozygotes.

Submissions (3):

Color Diagnostics, LLC DBA Color Health
Classification: Uncertain significance for Malignant hyperthermia, susceptibility to, 1. Last evaluated: 2025-07-29. Review status: criteria provided, single submitter. Criteria: ACMG Guidelines, 2015. Collection method: clinical testing. Allele origin: germline.
Comment: This missense variant replaces arginine with cysteine at codon 2136 of the RYR1 protein. Computational prediction suggests that this variant may have deleterious impact on protein structure and function. To our knowledge, functional studies have not been reported for this variant. This variant has not been reported in individuals affected with RYR1-related disorders in the literature. This variant has not been identified in the general population by the Genome Aggregation Database (gnomAD). The available evidence is insufficient to determine the role of this variant in disease conclusively. Therefore, this variant is classified as a Variant of Uncertain Significance.

Labcorp Genetics (formerly Invitae), Labcorp
Classification: Uncertain significance for RYR1-related disorder. Last evaluated: 2022-03-16. Review status: criteria provided, single submitter. Criteria: Invitae Variant Classification Sherloc (09022015). Collection method: clinical testing. Allele origin: germline.
Comment: This sequence change replaces arginine, which is basic and polar, with cysteine, which is neutral and slightly polar, at codon 2136 of the RYR1 protein (p.Arg2136Cys). This variant is not present in population databases (gnomAD no frequency). This variant has not been reported in the literature in individuals affected with RYR1-related conditions. ClinVar contains an entry for this variant (Variation ID: 288564). Advanced modeling of protein sequence and biophysical properties (such as structural, functional, and spatial information, amino acid conservation, physicochemical variation, residue mobility, and thermodynamic stability) performed at Invitae indicates that this missense variant is expected to disrupt RYR1 protein function. In summary, the available evidence is currently insufficient to determine the role of this variant in disease. Therefore, it has been classified as a Variant of Uncertain Significance.

Eurofins Ntd Llc (ga)
Classification: Uncertain significance. Last evaluated: 2016-07-15. Review status: criteria provided, single submitter. Criteria: EGL Classification Definitions 2015. Collection method: clinical testing. Allele origin: germline. Observed: 1 variant allele, 1 heterozygote.